The following is an entry in ClinVar:

ClinVar aggregate classification (germline): Conflicting classifications of pathogenicity. Review status: criteria provided, conflicting classifications (1 of 4 stars). 7 submissions from 7 submitters: Uncertain significance (3); Likely benign (3). 1 of the submissions does not count toward it. Last evaluated 2026-01-01.

Conditions:
CYB5R3-related disorder. Also called: CYB5R3-related condition.
Neurodevelopmental delay. Identifiers: MedGen C4022738, HP:0012758.

Allele frequency attached by ClinVar (database versions not stated): 1000 Genomes Project 0.00120; 1000 Genomes Project 30x 0.00125; gnomAD 0.00145 and 0.00157; TOPMed 0.00150; gnomAD exomes 0.00209 and 0.00229; ESP Exome Variant Server 0.00216; ExAC 0.00402.
gnomAD v4.1: 3,542 of 1,587,798 alleles (0.22%); highest among the groups gnomAD compares: Middle Eastern, 1.5%; 13 homozygotes.

Submissions (7):

Labcorp Genetics (formerly Invitae), Labcorp
Classification: Likely benign. Last evaluated: 2026-01-01. Review status: criteria provided, single submitter. Criteria: Invitae Variant Classification Sherloc (09022015). Collection method: clinical testing. Allele origin: germline.

Mayo Clinic Laboratories, Mayo Clinic
Classification: Uncertain significance. Last evaluated: 2025-09-30. Review status: criteria provided, single submitter. Criteria: ACMG Guidelines, 2015. Collection method: clinical testing. Allele origin: germline. Observed: 3 variant alleles.
Comment: BS1, BS2

ARUP Laboratories, Molecular Genetics and Genomics, ARUP Laboratories
Classification: Uncertain significance. Last evaluated: 2025-03-28. Review status: criteria provided, single submitter. Criteria: ARUP Molecular Germline Variant Investigation Process 2024. Collection method: clinical testing. Allele origin: germline.
Comment: The CYB5R3 c.890G>A; p.Arg297His variant (rs76458556), to our knowledge, is not reported in the medical literature but is reported in ClinVar (Variation ID: 694657). This variant is found in the general population with an overall allele frequency of 0.2% (3542/1,587,798 alleles, including 13 homozygotes) in the Genome Aggregation Database (v4.1.0). In vitro functional analyses demonstrate mildly reduced enzyme activity (Sacco 2010). Computational analyses are uncertain whether this variant is neutral or deleterious (REVEL: 0.319). While the high population frequency suggests that this is likely a benign variant, given the lack of clinical data, the significance of this variant is uncertain at this time. References: Sacco JC et al. Cytochrome b5 and NADH cytochrome b5 reductase: genotype-phenotype correlations for hydroxylamine reduction. Pharmacogenet Genomics. 2010 Jan. PMID: 19997042.

Blueprint Genetics
Classification: Likely benign. Last evaluated: 2024-11-26. Review status: criteria provided, single submitter. Criteria: ACMG Guidelines, 2015. Collection method: clinical testing. Allele origin: germline.

CeGaT Center for Human Genetics Tuebingen
Classification: Likely benign. Last evaluated: 2023-08-01. Review status: criteria provided, single submitter. Criteria: CeGaT Center For Human Genetics Tuebingen Variant Classification Criteria Version 2. Collection method: clinical testing. Allele origin: germline. Affected: yes. Observed: 3 variant alleles.
Comment: CYB5R3: BS2

Kariminejad - Najmabadi Pathology & Genetics Center
Classification: Uncertain significance for Neurodevelopmental delay. Last evaluated: 2018-09-22. Review status: criteria provided, single submitter. Criteria: ACMG Guidelines, 2015. Collection method: clinical testing. Allele origin: germline. Affected: yes.

PreventionGenetics, part of Exact Sciences
Classification: Likely benign for CYB5R3-related condition. Last evaluated: 2023-04-14. Review status: no assertion criteria provided. Collection method: clinical testing. Allele origin: germline. Not counted in ClinVar's aggregate classification.
Comment: This variant is classified as likely benign based on ACMG/AMP sequence variant interpretation guidelines (Richards et al. 2015 PMID: 25741868, with internal and published modifications).

Literature cited by the submitters: PubMed 19997042 (cited by Mayo Clinic Laboratories, Mayo Clinic); PubMed 22850190 (cited by Mayo Clinic Laboratories, Mayo Clinic); PubMed 24266649 (cited by Mayo Clinic Laboratories, Mayo Clinic); PubMed 31898843 (cited by Mayo Clinic Laboratories, Mayo Clinic).

NM_000398.7(CYB5R3):c.890G>A (p.Arg297His)

Gene: CYB5R3 (cytochrome b5 reductase 3; minus strand). Cytogenetic location: 22q13.2.
Variant type: single nucleotide variant.
Coding change: c.890G>A on transcript NM_000398.7 (MANE Select); coding-DNA position 890, G replaced by A.
Protein change: p.Arg297His; replaces arginine 297 with histidine.
Molecular consequence: missense variant.
Genome position (GRCh38, 1-based): chr22:42,619,789, C>T on the plus strand (G>A on the coding strand, the complement: CYB5R3 is on the minus strand). VCF-style: chr22-42619789-C-T. GRCh37 (hg19) VCF-style: chr22-43015795-C-T.
Other names: p.Arg297His; c.821G>A, p.Arg274His (NM_001129819.2, NM_001171661.1, NM_007326.4); c.989G>A, p.Arg330His (NM_001171660.2); short protein forms R274H, R297H, R330H.
Identifiers: ClinVar variation 694657 (VCV000694657.54), dbSNP rs76458556, ClinGen allele CA10269557.